The following is an entry in ClinVar:

ClinVar aggregate classification (germline): Uncertain significance (1 of 4 stars; one submission).

Conditions:
Neuropathy, hereditary sensory and autonomic, type 2A (HSAN2A). Also called: ACROOSTEOLYSIS, GIACCAI TYPE; ACROOSTEOLYSIS, NEUROGENIC; MORVAN DISEASE; NEUROPATHY, CONGENITAL SENSORY; NEUROPATHY, HEREDITARY SENSORY RADICULAR, AUTOSOMAL RECESSIVE; NEUROPATHY, HEREDITARY SENSORY, TYPE IIA. Identifiers: Orphanet 970, MedGen C2752089, MONDO:0024309, OMIM 201300.
Pseudohypoaldosteronism type 2C (PHA2C). Also called: Pseudohypoaldosteronism Type IIC. Identifiers: Orphanet 757, Orphanet 88940, MedGen C1840391, MONDO:0013778, OMIM 614492.

Allele frequency attached by ClinVar (database versions not stated): gnomAD exomes 0.00001; ExAC 0.00003; 1000 Genomes Project 30x 0.00016; 1000 Genomes Project 0.00020.
gnomAD v4.1: 13 of 1,614,180 alleles (0.00081%); highest among the groups gnomAD compares: South Asian, 0.014%; no homozygotes.

Submission:

Labcorp Genetics (formerly Invitae), Labcorp
Classification: Uncertain significance for Neuropathy, hereditary sensory and autonomic, type 2A; Pseudohypoaldosteronism type 2C. Last evaluated: 2023-08-05. Review status: criteria provided, single submitter. Criteria: Invitae Variant Classification Sherloc (09022015). Collection method: clinical testing. Allele origin: germline.
Comment: In summary, the available evidence is currently insufficient to determine the role of this variant in disease. Therefore, it has been classified as a Variant of Uncertain Significance. This sequence change replaces valine, which is neutral and non-polar, with leucine, which is neutral and non-polar, at codon 1320 of the WNK1 protein (p.Val1320Leu). This variant is present in population databases (rs538266658, gnomAD 0.01%). This variant has not been reported in the literature in individuals affected with WNK1-related conditions. Advanced modeling of protein sequence and biophysical properties (such as structural, functional, and spatial information, amino acid conservation, physicochemical variation, residue mobility, and thermodynamic stability) performed at Invitae indicates that this missense variant is not expected to disrupt WNK1 protein function.

NM_018979.4(WNK1):c.3202G>C (p.Val1068Leu)

Gene: WNK1 (WNK lysine deficient protein kinase 1; plus strand). Cytogenetic location: 12p13.33.
Variant type: single nucleotide variant.
Coding change: c.3202G>C on transcript NM_018979.4 (MANE Select); coding-DNA position 3202, G replaced by C.
Protein change: p.Val1068Leu; replaces valine 1068 with leucine.
Molecular consequence: missense variant.
Genome position (GRCh38, 1-based): chr12:881,782, G>C. VCF-style: chr12-881782-G-C. GRCh37 (hg19) VCF-style: chr12-990948-G-C.
Other names: c.3982G>C, p.Val1328Leu (NM_001184985.2); c.2461G>C, p.Val821Leu (NM_014823.3); c.3958G>C, p.Val1320Leu (NM_213655.5); short protein forms V821L, V1068L, V1320L, V1328L.
Identifiers: ClinVar variation 2933461 (VCV002933461.3), dbSNP rs538266658, ClinGen allele CA6382690.
Genomic context (GRCh38, chr12:881,782, plus strand): 5'-GCAGAGCCAGTTGCAGTAGCACAGACCCAAGCTACCCAGCCGACCACTTTGGCTTCCTCT[G>C]TAGACAGGTACGTAAAACTAGAATTCTCCTTCCTTGACTGGTAAATAAGACGGTATGAAA-3'
Protein context (NP_061852.3, residues 1058-1078): ATQPTTLASS[Val1068Leu]DSAHSDVASG